The following is an entry in ClinVar:

NM_000431.4(MVK):c.114C>G (p.Phe38Leu)

Gene: MVK (mevalonate kinase; plus strand). Cytogenetic location: 12q24.11.
Variant type: single nucleotide variant.
Coding change: c.114C>G on transcript NM_000431.4 (MANE Select); coding-DNA position 114, C replaced by G.
Protein change: p.Phe38Leu; replaces phenylalanine 38 with leucine.
Molecular consequence: missense variant. On other transcripts: 5 prime UTR variant (1), non-coding transcript variant (4).
Genome position (GRCh38, 1-based): chr12:109,576,033, C>G. VCF-style: chr12-109576033-C-G. GRCh37 (hg19) VCF-style: chr12-110013838-C-G.
Other names: c.114C>G, p.Phe38Leu (NM_001114185.3, NM_001301182.2, NM_001414511.1 and 3 more transcripts); c.-469C>G (NM_001414515.1); short protein forms F38L.
Identifiers: ClinVar variation 4792657 (VCV004792657.1).

ClinVar aggregate classification (germline): Uncertain significance (1 of 4 stars; one submission).

Conditions:
Mevalonic aciduria (MEVA). Identifiers: Orphanet 29, MedGen C1959626, MONDO:0012481, OMIM 610377.
Hyperimmunoglobulin D with periodic fever (HIDS). Also called: HYPERIMMUNOGLOBULINEMIA D AND PERIODIC FEVER SYNDROME; Hyperimmunoglobulinemia D; Hyperimmunoglobulinemia D with periodic fever. Identifiers: Orphanet 343, MedGen C0398691, MONDO:0009849, OMIM 260920.
Porokeratosis 3, disseminated superficial actinic type (POROK3). Also called: POROKERATOSIS, DISSEMINATED SUPERFICIAL ACTINIC, 1; POROKERATOSIS 3, MULTIPLE TYPES; POROKERATOSIS 3, MIBELLI TYPE. Identifiers: MedGen C1867981, MONDO:0008293, OMIM 175900.

gnomAD v4.1: 1 of 1,614,080 alleles (0.000062%); highest among the groups gnomAD compares: African/African-American, 0.0013%; no homozygotes.

Submission:

Labcorp Genetics (formerly Invitae), Labcorp
Classification: Uncertain significance for Mevalonic aciduria; Hyperimmunoglobulin D with periodic fever; Porokeratosis 3, disseminated superficial actinic type. Last evaluated: 2025-08-17. Review status: criteria provided, single submitter. Criteria: Invitae Variant Classification Sherloc (09022015). Collection method: clinical testing. Allele origin: germline.
Comment: This sequence change replaces phenylalanine, which is neutral and non-polar, with leucine, which is neutral and non-polar, at codon 38 of the MVK protein (p.Phe38Leu). This variant is present in population databases (no rsID available, gnomAD 0.01%). This variant has not been reported in the literature in individuals affected with MVK-related conditions. Invitae Evidence Modeling of protein sequence and biophysical properties (such as structural, functional, and spatial information, amino acid conservation, physicochemical variation, residue mobility, and thermodynamic stability) indicates that this missense variant is expected to disrupt MVK protein function with a positive predictive value of 95%. In summary, the available evidence is currently insufficient to determine the role of this variant in disease. Therefore, it has been classified as a Variant of Uncertain Significance.